The following is an entry in ClinVar:

NM_021625.5(TRPV4):c.1825A>C (p.Ile609Leu)

Gene: TRPV4 (transient receptor potential cation channel subfamily V member 4; minus strand). Cytogenetic location: 12q24.11.
Variant type: single nucleotide variant.
Coding change: c.1825A>C on transcript NM_021625.5 (MANE Select); coding-DNA position 1825, A replaced by C.
Protein change: p.Ile609Leu; replaces isoleucine 609 with leucine.
Molecular consequence: missense variant.
Genome position (GRCh38, 1-based): chr12:109,792,429, T>G on the plus strand (A>C on the coding strand, the complement: TRPV4 is on the minus strand). VCF-style: chr12-109792429-T-G. GRCh37 (hg19) VCF-style: chr12-110230234-T-G.
Other names: c.1645A>C, p.Ile549Leu (NM_147204.3); c.1684A>C, p.Ile562Leu (NM_001177428.2); c.1723A>C, p.Ile575Leu (NM_001177431.2); c.1504A>C, p.Ile502Leu (NM_001177433.2); short protein forms I562L, I609L, I502L, I549L, I575L.
Identifiers: ClinVar variation 1360550 (VCV001360550.8), dbSNP rs2136466571, ClinGen allele CA386651898.

ClinVar aggregate classification (germline): Uncertain significance (1 of 4 stars; one submission).

Conditions:
Charcot-Marie-Tooth disease axonal type 2C (HMSN2C). Also called: CHARCOT-MARIE-TOOTH DISEASE, AXONAL, AUTOSOMAL DOMINANT, TYPE 2C; Charcot-Marie-Tooth Neuropathy Type 2C; Charcot-Marie-Tooth Disease Type 2, TRPV4-Related (CMT2C). Identifiers: Orphanet 99937, MedGen C1853710, MONDO:0011633, OMIM 606071.

Submission:

Labcorp Genetics (formerly Invitae), Labcorp
Classification: Uncertain significance for Charcot-Marie-Tooth disease axonal type 2C. Last evaluated: 2022-08-23. Review status: criteria provided, single submitter. Criteria: Invitae Variant Classification Sherloc (09022015). Collection method: clinical testing. Allele origin: germline.
Comment: This sequence change replaces isoleucine, which is neutral and non-polar, with leucine, which is neutral and non-polar, at codon 609 of the TRPV4 protein (p.Ile609Leu). In summary, the available evidence is currently insufficient to determine the role of this variant in disease. Therefore, it has been classified as a Variant of Uncertain Significance. Algorithms developed to predict the effect of sequence changes on RNA splicing suggest that this variant may disrupt the consensus splice site. Algorithms developed to predict the effect of missense changes on protein structure and function are either unavailable or do not agree on the potential impact of this missense change (SIFT: "Tolerated"; PolyPhen-2: "Possibly Damaging"; Align-GVGD: "Class C0"). ClinVar contains an entry for this variant (Variation ID: 1360550). This missense change has been observed in individual(s) with clinical features of spondylometaphyseal dysplasia (Invitae). This variant is not present in population databases (gnomAD no frequency).